The following is an entry in ClinVar:

NM_001253852.3(AP4B1):c.373A>G (p.Ile125Val)

Gene: AP4B1 (adaptor related protein complex 4 subunit beta 1; minus strand). Cytogenetic location: 1p13.2.
Variant type: single nucleotide variant.
Coding change: c.373A>G on transcript NM_001253852.3 (MANE Select); coding-DNA position 373, A replaced by G.
Protein change: p.Ile125Val; replaces isoleucine 125 with valine.
Molecular consequence: missense variant. On other transcripts: intron variant (1).
Genome position (GRCh38, 1-based): chr1:113,901,851, T>C on the plus strand (A>G on the coding strand, the complement: AP4B1 is on the minus strand). VCF-style: chr1-113901851-T-C. GRCh37 (hg19) VCF-style: chr1-114444473-T-C.
Other names: c.76A>G, p.Ile26Val (NM_001253853.3); c.373A>G, p.Ile125Val (NM_006594.5); c.114-1451A>G (NM_001308312.2); c.373A>G (NM_006594.2); short protein forms I125V, I26V.
Identifiers: ClinVar variation 1003759 (VCV001003759.7), dbSNP rs143769705, ClinGen allele CA1016109.

ClinVar aggregate classification (germline): Uncertain significance. Review status: criteria provided, multiple submitters, no conflicts (2 of 4 stars). 3 submissions from 3 submitters: Uncertain significance (3). Last evaluated 2023-04-11.

Conditions:
Inborn genetic diseases. Identifiers: MedGen C0950123, MeSH D030342.
Hereditary spastic paraplegia 47. Also called: adaptor protein 4 (AP-4) deficiency syndrome; CEREBRAL PALSY, SPASTIC QUADRIPLEGIC, 5; Spastic paraplegia 47, autosomal recessive. Identifiers: Orphanet 280763, MedGen C3279738, MONDO:0013551, OMIM 614066.

Allele frequency attached by ClinVar (database versions not stated): gnomAD exomes 0.00002; ExAC 0.00004; TOPMed 0.00011; gnomAD 0.00013 and 0.00014; ESP Exome Variant Server 0.00015.
gnomAD v4.1: 27 of 1,614,176 alleles (0.0017%); highest among the groups gnomAD compares: African/African-American, 0.033%; no homozygotes.

Submissions (3):

Genome-Nilou Lab
Classification: Uncertain significance for Hereditary spastic paraplegia 47. Last evaluated: 2023-04-11. Review status: criteria provided, single submitter. Criteria: ACMG Guidelines, 2015. Collection method: clinical testing. Allele origin: germline. Affected: no.

Labcorp Genetics (formerly Invitae), Labcorp
Classification: Uncertain significance for Hereditary spastic paraplegia 47. Last evaluated: 2022-07-30. Review status: criteria provided, single submitter. Criteria: Invitae Variant Classification Sherloc (09022015). Collection method: clinical testing. Allele origin: germline.
Comment: This sequence change replaces isoleucine, which is neutral and non-polar, with valine, which is neutral and non-polar, at codon 125 of the AP4B1 protein (p.Ile125Val). This variant is present in population databases (rs143769705, gnomAD 0.03%). This variant has not been reported in the literature in individuals affected with AP4B1-related conditions. ClinVar contains an entry for this variant (Variation ID: 1003759). Algorithms developed to predict the effect of missense changes on protein structure and function output the following: SIFT: "Tolerated"; PolyPhen-2: "Benign"; Align-GVGD: "Class C0". The valine amino acid residue is found in multiple mammalian species, which suggests that this missense change does not adversely affect protein function. In summary, the available evidence is currently insufficient to determine the role of this variant in disease. Therefore, it has been classified as a Variant of Uncertain Significance.

Ambry Genetics
Classification: Uncertain significance for Inborn genetic diseases. Last evaluated: 2021-07-14. Review status: criteria provided, single submitter. Criteria: Ambry Variant Classification Scheme 2023. Collection method: clinical testing. Allele origin: germline.